The following is an entry in ClinVar:

ClinVar aggregate classification (germline): Likely pathogenic (1 of 4 stars; one submission).

Conditions:
Dilated cardiomyopathy 1G (CMD1G). Identifiers: Orphanet 154, MedGen C1858763, MONDO:0011400, OMIM 604145.
Autosomal recessive limb-girdle muscular dystrophy type 2J (LGMDR10). Also called: Limb-girdle muscular dystrophy, type 2J; MUSCULAR DYSTROPHY, LIMB-GIRDLE, AUTOSOMAL RECESSIVE 10. Identifiers: Orphanet 140922, MedGen C1837342, MONDO:0012127, OMIM 608807.

Submission:

Labcorp Genetics (formerly Invitae), Labcorp
Classification: Likely pathogenic for Dilated cardiomyopathy 1G; Autosomal recessive limb-girdle muscular dystrophy type 2J. Last evaluated: 2024-03-20. Review status: criteria provided, single submitter. Criteria: Invitae Variant Classification Sherloc (09022015). Collection method: clinical testing. Allele origin: germline.
Comment: This sequence change creates a premature translational stop signal (p.Lys11882Argfs*11) in the TTN gene. While this is not anticipated to result in nonsense mediated decay, it is expected to create a truncated TTN protein. This variant is not present in population databases (gnomAD no frequency). This variant has not been reported in the literature in individuals affected with TTN-related conditions. This variant is located in the I band of TTN (PMID: 25589632). Truncating variants in this region have been reported in individuals affected with autosomal recessive centronuclear myopathy (PMID: 23975875, Invitae internal data). Truncating variants in this region have also been identified in individuals affected with autosomal dominant dilated cardiomyopathy and/or cardio-related conditions (PMID: 27869827, 32964742, Invitae internal data). In summary, the currently available evidence indicates that the variant is pathogenic, but additional data are needed to prove that conclusively. Therefore, this variant has been classified as Likely Pathogenic.

Literature cited by the submitters: PubMed 25589632; PubMed 23975875; PubMed 27869827; PubMed 32964742.

NM_001267550.2(TTN):c.35643del (p.Lys11882fs)

Gene: TTN (titin; minus strand). Cytogenetic location: 2q31.2.
Variant type: Deletion.
Coding change: c.35643del on transcript NM_001267550.2 (MANE Select); coding-DNA position 35643, one base deleted (C; older notation c.35643delC).
Protein change: p.Lys11882fs; shifts the reading frame from lysine 11882.
Molecular consequence: frameshift variant. On other transcripts: intron variant (5).
Genome position (GRCh38, 1-based): chr2:178,667,512, G deleted on the plus strand (C on the coding strand, the reverse complement: TTN is on the minus strand); the first of 3 consecutive G bases (chr2:178,667,512-178,667,514); deleting any one gives the same sequence. VCF-style (leftmost placement, unchanged base first): chr2-178667511-TG-T. GRCh37 (hg19) VCF-style: chr2-179532238-TG-T.
Other names: c.13283-25195del (NM_003319.4); c.13859-25195del (NM_133437.4); c.13658-25195del (NM_133432.3); c.31483+2706del (NM_133378.4); c.34264+2706del (NM_001256850.1); short protein forms K11882fs.
Identifiers: ClinVar variation 3758018 (VCV003758018.2).
Genomic context (GRCh38, chr2:178,667,511, plus strand): 5'-CTGGTGTTTCTCTCTTTTTAGGAATAGTCACATATATTTTGTCTTCTGGAACAACTTTCT[TG>T]GGTGGCTCAGGCACTTAAAAGATATGAGTATAGTTATATTTATAAATGGTGAAGAAAAAT-3'